The following is an entry in ClinVar:

NM_018646.6(TRPV6):c.347-6T>C

Gene: TRPV6 (transient receptor potential cation channel subfamily V member 6; minus strand). Cytogenetic location: 7q34.
Variant type: single nucleotide variant.
Coding change: c.347-6T>C on transcript NM_018646.6 (MANE Select); 6 bases into the intron before coding-DNA position 347, T replaced by C.
Molecular consequence: intron variant.
Genome position (GRCh38, 1-based): chr7:142,877,779, A>G on the plus strand (T>C on the coding strand, the complement: TRPV6 is on the minus strand). VCF-style: chr7-142877779-A-G. GRCh37 (hg19) VCF-style: chr7-142575532-A-G.
Identifiers: ClinVar variation 2764335 (VCV002764335.3), dbSNP rs779980884, ClinGen allele CA4532890.
Genomic context (GRCh38, chr7:142,877,779, plus strand): 5'-GCCTCCAGGTTGTCATAGAGGGCTGCTATGTGTAGCGCTGTTTCCCCCATGGCTCCTGGC[A>G]TTTACAGAGAGGTGGGTTATATGGCTTCTGTGGGACAGCGGATTGGAGACGATAGATTCA-3'

ClinVar aggregate classification (germline): Uncertain significance (1 of 4 stars; one submission).

Allele frequency attached by ClinVar (database versions not stated): gnomAD 0.00001; TOPMed 0.00001; ExAC 0.00002; gnomAD exomes 0.00002.
gnomAD v4.1: 27 of 1,613,974 alleles (0.0017%); highest among the groups gnomAD compares: Admixed American, 0.0083%; no homozygotes.

Submission:

Labcorp Genetics (formerly Invitae), Labcorp
Classification: Uncertain significance. Last evaluated: 2023-12-12. Review status: criteria provided, single submitter. Criteria: Invitae Variant Classification Sherloc (09022015). Collection method: clinical testing. Allele origin: germline.
Comment: This sequence change falls in intron 2 of the TRPV6 gene. It does not directly change the encoded amino acid sequence of the TRPV6 protein. This variant is present in population databases (rs779980884, gnomAD 0.01%). This variant has not been reported in the literature in individuals affected with TRPV6-related conditions. Algorithms developed to predict the effect of sequence changes on RNA splicing suggest that this variant may create or strengthen a splice site. In summary, the available evidence is currently insufficient to determine the role of this variant in disease. Therefore, it has been classified as a Variant of Uncertain Significance.